The following is an entry in ClinVar:

NC_000006.12:g.(?_133506020)_(133528840_?)del

Gene: EYA4 (EYA transcriptional coactivator and phosphatase 4; plus strand). Cytogenetic location: 6q23.2.
Variant type: Deletion.
Identifiers: ClinVar variation 667003 (VCV000667003.5).

ClinVar aggregate classification (germline): Likely pathogenic (1 of 4 stars; one submission).

Conditions:
Rare genetic deafness. Identifiers: Orphanet 96210, MedGen C5680250.

Submission:

Laboratory for Molecular Medicine, Mass General Brigham Personalized Medicine
Classification: Likely pathogenic for Rare genetic deafness. Last evaluated: 2019-02-19. Review status: criteria provided, single submitter. Criteria: LMM Criteria. Collection method: clinical testing. Allele origin: germline. Inheritance: Autosomal dominant inheritance. Observed: 1 variant allele.
Comment: The deletion of exons 14-20 of the EYA4 gene has not been previously reported in individuals with hearing loss and was absent from the Database of Genomic Variants (DGV). This variant is a deletion of 7 exons encoding the C-terminal end of EYA4 and is predicted to result in a truncated or absent protein. Due to limitations of the testing methodology, the exact breakpoints of the detected deletion could not be determined. Follow-up testing would be necessary to determine if neighboring genes are impacted. Nonetheless, loss-of-function of the EYA4 gene is an established mechanism for autosomal dominant sensorineural hearing loss. In summary, although additional studies are required to fully establish its clinical significance, this variant meets criteria to be classified as likely pathogenic for autosomal dominant hearing loss. ACMG/AMP Criteria applied: PVS1, PM2.